The following is an entry in ClinVar:

NM_004423.4(DVL3):c.182C>T (p.Ser61Leu)

Gene: DVL3 (dishevelled segment polarity protein 3; plus strand). Cytogenetic location: 3q27.1.
Variant type: single nucleotide variant.
Coding change: c.182C>T on transcript NM_004423.4 (MANE Select); coding-DNA position 182, C replaced by T.
Protein change: p.Ser61Leu; replaces serine 61 with leucine.
Molecular consequence: missense variant.
Genome position (GRCh38, 1-based): chr3:184,163,677, C>T. VCF-style: chr3-184163677-C-T. GRCh37 (hg19) VCF-style: chr3-183881465-C-T.
Other names: short protein forms S61L.
Identifiers: ClinVar variation 837273 (VCV000837273.8), dbSNP rs143411607, ClinGen allele CA2726996.

ClinVar aggregate classification (germline): Uncertain significance (1 of 4 stars; one submission).

Allele frequency attached by ClinVar (database versions not stated): TOPMed below 0.00001; ExAC 0.00001; gnomAD exomes 0.00001; ESP Exome Variant Server 0.00008.
gnomAD v4.1: 8 of 1,613,926 alleles (0.0005%); highest among the groups gnomAD compares: East Asian, 0.0022%; no homozygotes.

Submission:

Labcorp Genetics (formerly Invitae), Labcorp
Classification: Uncertain significance. Last evaluated: 2019-12-27. Review status: criteria provided, single submitter. Criteria: Invitae Variant Classification Sherloc (09022015). Collection method: clinical testing. Allele origin: germline.
Comment: This sequence change replaces serine with leucine at codon 61 of the DVL3 protein (p.Ser61Leu). The serine residue is moderately conserved and there is a large physicochemical difference between serine and leucine. This variant is present in population databases (rs143411607, ExAC no frequency). This variant has not been reported in the literature in individuals with DVL3-related conditions. Algorithms developed to predict the effect of missense changes on protein structure and function are either unavailable or do not agree on the potential impact of this missense change (SIFT: "Tolerated"; PolyPhen-2: "Possibly Damaging"; Align-GVGD: "Class C0"). In summary, the available evidence is currently insufficient to determine the role of this variant in disease. Therefore, it has been classified as a Variant of Uncertain Significance.